The following is an entry in ClinVar:

ClinVar aggregate classification (germline): Likely benign (0 of 4 stars; one submission).

Conditions:
SPEN-related disorder. Also called: SPEN-related condition.

Allele frequency attached by ClinVar (database versions not stated): gnomAD 0.00018; TOPMed 0.00019; ExAC 0.00028; gnomAD exomes 0.00030; ESP Exome Variant Server 0.00039.
gnomAD v4.1: 405 of 1,453,598 alleles (0.028%); highest among the groups gnomAD compares: Non-Finnish European, 0.035%; no homozygotes.

Submission:

PreventionGenetics, part of Exact Sciences
Classification: Likely benign for SPEN-related condition. Last evaluated: 2019-12-11. Review status: no assertion criteria provided. Collection method: clinical testing. Allele origin: germline.
Comment: This variant is classified as likely benign based on ACMG/AMP sequence variant interpretation guidelines (Richards et al. 2015 PMID: 25741868, with internal and published modifications).

NM_015001.3(SPEN):c.-1C>T

Genes: SPEN (spen family transcriptional repressor; plus strand), SPEN-AS1 (SPEN antisense RNA 1; minus strand). Cytogenetic location: 1p36.21.
Variant type: single nucleotide variant.
Coding change: c.-1C>T on transcript NM_015001.3 (MANE Select); 1 bases upstream of the start codon, C replaced by T.
Molecular consequence: 5 prime UTR variant.
Genome position (GRCh38, 1-based): chr1:15,848,067, C>T. VCF-style: chr1-15848067-C-T. GRCh37 (hg19) VCF-style: chr1-16174562-C-T.
Identifiers: ClinVar variation 3047959 (VCV003047959.2), dbSNP rs144566113, ClinGen allele CA618730.